The following is an entry in ClinVar:

NM_000918.4(P4HB):c.1214C>T (p.Pro405Leu)

Gene: P4HB (prolyl 4-hydroxylase subunit beta; minus strand). Cytogenetic location: 17q25.3.
Variant type: single nucleotide variant.
Coding change: c.1214C>T on transcript NM_000918.4 (MANE Select); coding-DNA position 1214, C replaced by T.
Protein change: p.Pro405Leu; replaces proline 405 with leucine.
Molecular consequence: missense variant.
Genome position (GRCh38, 1-based): chr17:81,845,706, G>A on the plus strand (C>T on the coding strand, the complement: P4HB is on the minus strand). VCF-style: chr17-81845706-G-A. GRCh37 (hg19) VCF-style: chr17-79803582-G-A.
Other names: short protein forms P405L.
Identifiers: ClinVar variation 2136164 (VCV002136164.15), dbSNP rs374921280, ClinGen allele CA8842677.
Genomic context (GRCh38, chr17:81,845,706, plus strand): 5'-ATCTTGGCGATGACGATGTTCTCATGGTCCTTGTACGTCTCTCCCAGTTTATCCCAAATG[G>A]GAGCCAACTGTTTGCAGTGACCACACCATGGGGCATCTGAAAAGAAAGCAGTTCTAGGGT-3'
Protein context (NP_000909.2, residues 395-415): PWCGHCKQLA[Pro405Leu]IWDKLGETYK

ClinVar aggregate classification (germline): Uncertain significance. Review status: criteria provided, multiple submitters, no conflicts (2 of 4 stars). 2 submissions from 2 submitters: Uncertain significance (2). Last evaluated 2024-10-01.

Allele frequency attached by ClinVar (database versions not stated): gnomAD exomes below 0.00001; gnomAD 0.00002; ExAC 0.00003; TOPMed 0.00003; ESP Exome Variant Server 0.00008.
gnomAD v4.1: 7 of 1,613,608 alleles (0.00043%); highest among the groups gnomAD compares: East Asian, 0.0067%; no homozygotes.

Submissions (2):

CeGaT Center for Human Genetics Tuebingen
Classification: Uncertain significance. Last evaluated: 2024-10-01. Review status: criteria provided, single submitter. Criteria: CeGaT Center For Human Genetics Tuebingen Variant Classification Criteria Version 2. Collection method: clinical testing. Allele origin: germline. Affected: yes. Observed: 1 variant allele.

GeneDx
Classification: Uncertain significance. Last evaluated: 2022-07-21. Review status: criteria provided, single submitter. Criteria: GeneDx Variant Classification Process June 2021. Collection method: clinical testing. Allele origin: germline. Affected: yes.
Comment: Identified in a familial amyotrophic lateral sclerosis case and a control in the literature (Gonzalez-Perez et al., 2015); In silico analysis supports that this missense variant has a deleterious effect on protein structure/function; This variant is associated with the following publications: (PMID: 25913742)